The following is an entry in ClinVar:

NM_003803.4(MYOM1):c.1450G>A (p.Val484Ile)

Gene: MYOM1 (myomesin 1; minus strand). Cytogenetic location: 18p11.31.
Variant type: single nucleotide variant.
Coding change: c.1450G>A on transcript NM_003803.4 (MANE Select); coding-DNA position 1450, G replaced by A.
Protein change: p.Val484Ile; replaces valine 484 with isoleucine.
Molecular consequence: missense variant.
Genome position (GRCh38, 1-based): chr18:3,164,329, C>T on the plus strand (G>A on the coding strand, the complement: MYOM1 is on the minus strand). VCF-style: chr18-3164329-C-T. GRCh37 (hg19) VCF-style: chr18-3164327-C-T.
Other names: c.1450G>A, p.Val484Ile (NM_019856.2); short protein forms V484I.
Identifiers: ClinVar variation 2969238 (VCV002969238.3), dbSNP rs2510685582, ClinGen allele CA401714851.

ClinVar aggregate classification (germline): Uncertain significance (1 of 4 stars; one submission).

Conditions:
Hypertrophic cardiomyopathy. Also called: HYPERTROPHIC MYOCARDIOPATHY. Identifiers: Orphanet 217569, MedGen C0007194, MeSH D002312, MONDO:0005045, HP:0001639.

gnomAD v4.1: 3 of 1,612,932 alleles (0.00019%); highest among the groups gnomAD compares: East Asian, 0.0022%; no homozygotes.

Submission:

Labcorp Genetics (formerly Invitae), Labcorp
Classification: Uncertain significance for Hypertrophic cardiomyopathy. Last evaluated: 2023-03-16. Review status: criteria provided, single submitter. Criteria: Invitae Variant Classification Sherloc (09022015). Collection method: clinical testing. Allele origin: germline.
Comment: This sequence change replaces valine, which is neutral and non-polar, with isoleucine, which is neutral and non-polar, at codon 484 of the MYOM1 protein (p.Val484Ile). This variant is not present in population databases (gnomAD no frequency). This variant has not been reported in the literature in individuals affected with MYOM1-related conditions. Advanced modeling of protein sequence and biophysical properties (such as structural, functional, and spatial information, amino acid conservation, physicochemical variation, residue mobility, and thermodynamic stability) performed at Invitae indicates that this missense variant is not expected to disrupt MYOM1 protein function. In summary, the available evidence is currently insufficient to determine the role of this variant in disease. Therefore, it has been classified as a Variant of Uncertain Significance.